The following is an entry in ClinVar:

ClinVar aggregate classification (germline): Likely pathogenic (1 of 4 stars; one submission).

Conditions:
Incontinentia pigmenti syndrome (IP). Also called: BLOCH-SULZBERGER SYNDROME; INCONTINENTIA PIGMENTI, FAMILIAL MALE-LETHAL TYPE; Incontinentia Pigmenti; INCONTINENTIA PIGMENTI, TYPE II. Identifiers: Orphanet 464, MedGen C0021171, MONDO:0010631, OMIM 308300.

Submission:

Institute of Human Genetics, University of Leipzig Medical Center
Classification: Likely pathogenic for Incontinentia pigmenti syndrome. Last evaluated: 2021-06-30. Review status: criteria provided, single submitter. Criteria: ACMG Guidelines, 2015. Collection method: clinical testing. Allele origin: maternal. Affected: yes. Observed: 2 variant alleles.
Comment: Criteria applied: PVS1, PM2_SUP.

NM_001099857.5(IKBKG):c.363_367del (p.Leu122fs)

Gene: IKBKG (inhibitor of nuclear factor kappa B kinase regulatory subunit gamma; plus strand). Cytogenetic location: Xq28.
Variant type: Deletion.
Coding change: c.363_367del on transcript NM_001099857.5 (MANE Select); coding-DNA positions 363 to 367, 5 bases deleted (TCTGC; older notation c.363_367delTCTGC).
Protein change: p.Leu122fs; shifts the reading frame from leucine 122.
Molecular consequence: frameshift variant. On other transcripts: non-coding transcript variant (1).
Genome position (GRCh38, 1-based): chrX:154,556,340-154,556,344, TCTGC deleted; deleting any 5 consecutive bases within chrX:154,556,338-154,556,344 gives the same sequence; the c. name uses the placement nearest the transcript's 3' end. VCF-style (leftmost placement, unchanged base first): chrX-154556337-GGCTCT-G. GRCh37 (hg19) VCF-style: chrX-153784552-GGCTCT-G.
Other names: c.567_571del, p.Leu190fs (NM_001099856.6); c.363_367del, p.Leu122fs (NM_001145255.4, NM_001321396.3, NM_001321397.3 and 5 more transcripts); short protein forms L122fs, L190fs.
Identifiers: ClinVar variation 2579743 (VCV002579743.2), dbSNP rs2523366018, ClinGen allele CA2580617841.